The following is an entry in ClinVar:

ClinVar aggregate classification (germline): Benign/Likely benign. Review status: criteria provided, multiple submitters, no conflicts (2 of 4 stars). 3 submissions from 3 submitters: Benign (1); Likely benign (2). Last evaluated 2025-12-13.

Allele frequency attached by ClinVar (database versions not stated): 1000 Genomes Project 30x 0.00021; 1000 Genomes Project 0.00026; TOPMed 0.00043; gnomAD exomes 0.00044 and 0.00082; gnomAD 0.00047; ExAC 0.00050; ESP Exome Variant Server 0.00085.
gnomAD v4.1: 932 of 1,209,748 alleles (0.077%); highest among the groups gnomAD compares: Non-Finnish European, 0.097%; 1 homozygote.

Submissions (3):

Labcorp Genetics (formerly Invitae), Labcorp
Classification: Likely benign. Last evaluated: 2025-12-13. Review status: criteria provided, single submitter. Criteria: Invitae Variant Classification Sherloc (09022015). Collection method: clinical testing. Allele origin: germline.

CeGaT Center for Human Genetics Tuebingen
Classification: Likely benign. Last evaluated: 2023-01-01. Review status: criteria provided, single submitter. Criteria: CeGaT Center For Human Genetics Tuebingen Variant Classification Criteria Version 2. Collection method: clinical testing. Allele origin: germline. Affected: yes. Observed: 1 variant allele.
Comment: USP9X: BP4, BP7, BS2

GeneDx
Classification: Benign. Last evaluated: 2021-08-04. Review status: criteria provided, single submitter. Criteria: GeneDx Variant Classification Process June 2021. Collection method: clinical testing. Allele origin: germline. Affected: yes.

NM_001039591.3(USP9X):c.4668C>T (p.Phe1556=)

Gene: USP9X (ubiquitin specific peptidase 9 X-linked; plus strand). Cytogenetic location: Xp11.4.
Variant type: single nucleotide variant.
Coding change: c.4668C>T on transcript NM_001039591.3 (MANE Select); coding-DNA position 4668, C replaced by T.
Protein change: p.Phe1556=; no amino-acid change (phenylalanine 1556 retained).
Molecular consequence: synonymous variant.
Genome position (GRCh38, 1-based): chrX:41,201,124, C>T. VCF-style: chrX-41201124-C-T. GRCh37 (hg19) VCF-style: chrX-41060377-C-T.
Other names: c.4668C>T, p.Phe1556= (NM_001039590.3).
Identifiers: ClinVar variation 708864 (VCV000708864.33), dbSNP rs377596178, ClinGen allele CA10388918.
Genomic context (GRCh38, chrX:41,201,124, plus strand): 5'-TGAAGCACTTACTGAGTGGGAATATCTGCCACCTGTTGGACCCCGCCCACCCAAAGGATT[C>T]GTGGGGCTGAAAAATGCCGGTGCTACTTGTTACATGAATTCTGTGATTCAGCAACTCTAC-3'
Protein context (NP_001034680.2, residues 1546-1566): PPVGPRPPKG[Phe1556=]VGLKNAGATC